The following is an entry in ClinVar:

ClinVar aggregate classification (germline): Uncertain significance (1 of 4 stars; one submission).

gnomAD v4.1: 1 of 1,612,344 alleles (0.000062%); highest among the groups gnomAD compares: Non-Finnish European, 0.000085%; no homozygotes.

Submission:

Labcorp Genetics (formerly Invitae), Labcorp
Classification: Uncertain significance. Last evaluated: 2025-05-11. Review status: criteria provided, single submitter. Criteria: Invitae Variant Classification Sherloc (09022015). Collection method: clinical testing. Allele origin: germline.
Comment: This sequence change falls in intron 16 of the NLRP1 gene. It does not directly change the encoded amino acid sequence of the NLRP1 protein. It affects a nucleotide within the consensus splice site. This variant is present in population databases (no rsID available, gnomAD 0.0009%). This variant has not been reported in the literature in individuals affected with NLRP1-related conditions. Variants that disrupt the consensus splice site are a relatively common cause of aberrant splicing (PMID: 17576681, 9536098). Algorithms developed to predict the effect of sequence changes on RNA splicing suggest that this variant is not likely to affect RNA splicing. In summary, the available evidence is currently insufficient to determine the role of this variant in disease. Therefore, it has been classified as a Variant of Uncertain Significance.

Literature cited by the submitters: PubMed 17576681; PubMed 9536098.

NM_033004.4(NLRP1):c.4102+4A>G

Gene: NLRP1 (NLR family pyrin domain containing 1; minus strand). Cytogenetic location: 17p13.2.
Variant type: single nucleotide variant.
Coding change: c.4102+4A>G on transcript NM_033004.4 (MANE Select); 4 bases into the intron after coding-DNA position 4102, A replaced by G.
Molecular consequence: intron variant.
Genome position (GRCh38, 1-based): chr17:5,515,469, T>C on the plus strand (A>G on the coding strand, the complement: NLRP1 is on the minus strand). VCF-style: chr17-5515469-T-C. GRCh37 (hg19) VCF-style: chr17-5418789-T-C.
Other names: c.4069+2277A>G (NM_001033053.3); c.3880+4A>G (NM_033007.4); c.4012+4A>G (NM_033006.4); c.3970+4A>G (NM_014922.5).
Identifiers: ClinVar variation 4719182 (VCV004719182.1).